The following is an entry in ClinVar:

ClinVar aggregate classification (germline): Uncertain significance (1 of 4 stars; one submission).

Submission:

Labcorp Genetics (formerly Invitae), Labcorp
Classification: Uncertain significance. Last evaluated: 2022-07-05. Review status: criteria provided, single submitter. Criteria: Invitae Variant Classification Sherloc (09022015). Collection method: clinical testing. Allele origin: germline.
Comment: A copy number gain of the genomic region encompassing the full coding sequence of the MMP14 gene has been identified. The boundaries of this event are unknown as they extend beyond the assayed region for this gene and therefore may encompass additional genes. As the precise location of this event is unknown, it may be in tandem or it may be located elsewhere in the genome. This variant has not been reported in the literature in individuals affected with MMP14-related conditions. In summary, the available evidence is currently insufficient to determine the role of this variant in disease. Therefore, it has been classified as a Variant of Uncertain Significance.

NC_000014.8:g.(?_23242819)_(23315248_?)dup

Genes: MMP14 (matrix metallopeptidase 14; plus strand), MRPL52 (mitochondrial ribosomal protein L52; plus strand), SLC7A7 (solute carrier family 7 member 7; minus strand). Cytogenetic location: 14q11.2.
Variant type: Duplication.
Identifiers: ClinVar variation 1440376 (VCV001440376.4).